The following is an entry in ClinVar:

ClinVar aggregate classification (germline): Likely benign (0 of 4 stars; one submission).

Conditions:
SHROOM2-related disorder. Also called: SHROOM2-related condition.

Allele frequency attached by ClinVar (database versions not stated): TOPMed 0.00063; ESP Exome Variant Server 0.00085; ExAC 0.00088; gnomAD 0.00089; gnomAD exomes 0.00101.
gnomAD v4.1: 1,206 of 1,210,832 alleles (0.1%); highest among the groups gnomAD compares: Middle Eastern, 0.21%; 2 homozygotes.

Submission:

PreventionGenetics, part of Exact Sciences
Classification: Likely benign for SHROOM2-related condition. Last evaluated: 2019-10-30. Review status: no assertion criteria provided. Collection method: clinical testing. Allele origin: germline.
Comment: This variant is classified as likely benign based on ACMG/AMP sequence variant interpretation guidelines (Richards et al. 2015 PMID: 25741868, with internal and published modifications).

NM_001649.4(SHROOM2):c.2535C>T (p.Thr845=)

Gene: SHROOM2 (shroom family member 2; plus strand). Cytogenetic location: Xp22.2.
Variant type: single nucleotide variant.
Coding change: c.2535C>T on transcript NM_001649.4 (MANE Select); coding-DNA position 2535, C replaced by T.
Protein change: p.Thr845=; no amino-acid change (threonine 845 retained).
Molecular consequence: synonymous variant.
Genome position (GRCh38, 1-based): chrX:9,896,443, C>T. VCF-style: chrX-9896443-C-T. GRCh37 (hg19) VCF-style: chrX-9864483-C-T.
Identifiers: ClinVar variation 3055627 (VCV003055627.2), dbSNP rs146225710, ClinGen allele CA10345576.